The following is an entry in ClinVar:

NM_001048174.2(MUTYH):c.412T>C (p.Ser138Pro)

Gene: MUTYH (mutY DNA glycosylase; minus strand). Cytogenetic location: 1p34.1.
Variant type: single nucleotide variant.
Coding change: c.412T>C on transcript NM_001048174.2 (MANE Select); coding-DNA position 412, T replaced by C.
Protein change: p.Ser138Pro; replaces serine 138 with proline.
Molecular consequence: missense variant. On other transcripts: non-coding transcript variant (2).
Genome position (GRCh38, 1-based): chr1:45,332,926, A>G on the plus strand (T>C on the coding strand, the complement: MUTYH is on the minus strand). VCF-style: chr1-45332926-A-G. GRCh37 (hg19) VCF-style: chr1-45798598-A-G.
Other names: c.457T>C, p.Ser153Pro (NM_001293190.2); c.445T>C, p.Ser149Pro (NM_001293191.2); c.136T>C, p.Ser46Pro (NM_001293192.2, NM_001293196.2); c.412T>C, p.Ser138Pro (NM_001293195.2, NM_001048171.2, NM_001048173.2); c.67T>C, p.Ser23Pro (NM_001350650.2, NM_001350651.2); c.487T>C, p.Ser163Pro (NM_012222.3); c.415T>C, p.Ser139Pro (NM_001048172.2); c.496T>C, p.Ser166Pro (NM_001128425.2); short protein forms S153P, S139P, S149P, S163P, S23P, S138P, S166P, S46P.
Identifiers: ClinVar variation 654016 (VCV000654016.8), dbSNP rs1570427458, ClinGen allele CA340135921.

ClinVar aggregate classification (germline): Uncertain significance (1 of 4 stars; one submission).

Conditions:
Familial adenomatous polyposis 2. Also called: COLORECTAL ADENOMATOUS POLYPOSIS, AUTOSOMAL RECESSIVE; ADENOMAS, MULTIPLE COLORECTAL, AUTOSOMAL RECESSIVE; MYH-associated polyposis; MUTYH Polyposis; Adenomas, multiple colorectal; MUTYH-associated polyposis. Identifiers: Orphanet 220460, Orphanet 247798, MedGen C3272841, MONDO:0012041, OMIM 608456.

Submission:

Labcorp Genetics (formerly Invitae), Labcorp
Classification: Uncertain significance for Familial adenomatous polyposis 2. Last evaluated: 2018-08-30. Review status: criteria provided, single submitter. Criteria: Invitae Variant Classification Sherloc (09022015). Collection method: clinical testing. Allele origin: germline.
Comment: In summary, the available evidence is currently insufficient to determine the role of this variant in disease. Therefore, it has been classified as a Variant of Uncertain Significance. Algorithms developed to predict the effect of missense changes on protein structure and function are either unavailable or do not agree on the potential impact of this missense change (SIFT: "Deleterious"; PolyPhen-2: "Probably Damaging"; Align-GVGD: "Class C0"). This variant has not been reported in the literature in individuals with MUTYH-related disease. This variant is not present in population databases (ExAC no frequency). This sequence change replaces serine with proline at codon 166 of the MUTYH protein (p.Ser166Pro). The serine residue is moderately conserved and there is a moderate physicochemical difference between serine and proline.